The following is an entry in ClinVar:

ClinVar aggregate classification (germline): Uncertain significance. Review status: criteria provided, multiple submitters, no conflicts (2 of 4 stars). 2 submissions from 2 submitters: Uncertain significance (2). Last evaluated 2021-08-27.

Conditions:
Holocarboxylase synthetase deficiency. Also called: MULTIPLE CARBOXYLASE DEFICIENCY, EARLY ONSET. Identifiers: Orphanet 79242, MedGen C0268581, MONDO:0009666, OMIM 253270.

Allele frequency attached by ClinVar (database versions not stated): ExAC 0.00001; gnomAD exomes 0.00001; TOPMed 0.00002; gnomAD 0.00003; ESP Exome Variant Server 0.00008.
gnomAD v4.1: 22 of 1,613,998 alleles (0.0014%); highest among the groups gnomAD compares: African/African-American, 0.0027%; no homozygotes.

Submissions (2):

Labcorp Genetics (formerly Invitae), Labcorp
Classification: Uncertain significance for Holocarboxylase synthetase deficiency. Last evaluated: 2021-08-27. Review status: criteria provided, single submitter. Criteria: Invitae Variant Classification Sherloc (09022015). Collection method: clinical testing. Allele origin: germline.
Comment: This sequence change replaces aspartic acid with asparagine at codon 134 of the HLCS protein (p.Asp134Asn). The aspartic acid residue is moderately conserved and there is a small physicochemical difference between aspartic acid and asparagine. This variant is present in population databases (rs148426470, ExAC 0.001%). This variant has not been reported in the literature in individuals affected with HLCS-related conditions. ClinVar contains an entry for this variant (Variation ID: 339967). Algorithms developed to predict the effect of missense changes on protein structure and function are either unavailable or do not agree on the potential impact of this missense change (SIFT: "Tolerated"; PolyPhen-2: "Probably Damaging"; Align-GVGD: "Class C0"). In summary, the available evidence is currently insufficient to determine the role of this variant in disease. Therefore, it has been classified as a Variant of Uncertain Significance.

Illumina Laboratory Services, Illumina
Classification: Uncertain significance for Holocarboxylase synthetase deficiency. Last evaluated: 2018-01-13. Review status: criteria provided, single submitter. Criteria: ICSL Variant Classification Criteria 13 December 2019. Collection method: clinical testing. Allele origin: germline.

NM_001352514.2(HLCS):c.841G>A (p.Asp281Asn)

Gene: HLCS (holocarboxylase synthetase; minus strand). Cytogenetic location: 21q22.13.
Variant type: single nucleotide variant.
Coding change: c.841G>A on transcript NM_001352514.2 (MANE Select); coding-DNA position 841, G replaced by A.
Protein change: p.Asp281Asn; replaces aspartic acid 281 with asparagine.
Molecular consequence: missense variant. On other transcripts: non-coding transcript variant (2).
Genome position (GRCh38, 1-based): chr21:36,937,045, C>T on the plus strand (G>A on the coding strand, the complement: HLCS is on the minus strand). VCF-style: chr21-36937045-C-T. GRCh37 (hg19) VCF-style: chr21-38309345-C-T.
Other names: c.400G>A, p.Asp134Asn (NM_000411.8, NM_001242784.3, NM_001242785.2 and 4 more transcripts); short protein forms D134N, D281N.
Identifiers: ClinVar variation 339967 (VCV000339967.6), dbSNP rs148426470, ClinGen allele CA10020691.